The following is an entry in ClinVar:

ClinVar aggregate classification (germline): Uncertain significance (1 of 4 stars; one submission).

Submission:

Labcorp Genetics (formerly Invitae), Labcorp
Classification: Uncertain significance. Last evaluated: 2023-02-22. Review status: criteria provided, single submitter. Criteria: Invitae Variant Classification Sherloc (09022015). Collection method: clinical testing. Allele origin: germline.
Comment: In summary, the available evidence is currently insufficient to determine the role of this variant in disease. Therefore, it has been classified as a Variant of Uncertain Significance. Experimental studies and prediction algorithms are not available or were not evaluated, and the functional significance of this variant is currently unknown. This variant has not been reported in the literature in individuals affected with EMC1-related conditions. This variant is not present in population databases (gnomAD no frequency). This variant, c.1935_1937del, results in the deletion of 1 amino acid(s) of the EMC1 protein (p.Asp645del), but otherwise preserves the integrity of the reading frame.

NM_015047.3(EMC1):c.1932TGA[1] (p.Asp645del)

Genes: EMC1 (ER membrane protein complex subunit 1; minus strand), EMC1-AS1 (EMC1 antisense RNA 1; plus strand). Cytogenetic location: 1p36.13.
Variant type: Microsatellite.
Coding change: c.1932TGA[1] on transcript NM_015047.3 (MANE Select); one copy of the 3-base unit TGA starting at c.1932; the reference has two copies in a row; one copy, 3 bases deleted.
Protein change: p.Asp645del; deletes aspartic acid 645.
Molecular consequence: inframe deletion.
Genome position (GRCh38, 1-based): chr1:19,231,268-19,231,270, TCA deleted on the plus strand (TGA on the coding strand, the reverse complement: EMC1 is on the minus strand); deleting any 3 consecutive bases within chr1:19,231,268-19,231,275 gives the same sequence; the position shown is the placement nearest the transcript's 3' end. VCF-style (leftmost placement, unchanged base first): chr1-19231267-TTCA-T. GRCh37 (hg19) VCF-style: chr1-19557761-TTCA-T.
Other names: c.1929TGA[1], p.Asp644del (NM_001271427.2, NM_001271428.2); c.1866TGA[1], p.Asp623del (NM_001271429.2); c.1941TGA[1], p.Asp648del (NM_001375820.1); c.1938TGA[1], p.Asp647del (NM_001375821.1); short protein forms D645del, D647del, D648del, D644del, D623del.
Identifiers: ClinVar variation 2839711 (VCV002839711.3), dbSNP rs2536721864, ClinGen allele CA2739272323.